The following is an entry in ClinVar:

ClinVar aggregate classification (germline): Pathogenic (1 of 4 stars; one submission).

Submission:

GeneDx
Classification: Pathogenic. Last evaluated: 2023-12-08. Review status: criteria provided, single submitter. Criteria: GeneDx Variant Classification Process June 2021. Collection method: clinical testing. Allele origin: germline. Affected: yes.
Comment: Not observed at significant frequency in large population cohorts (gnomAD); In silico analysis supports a deleterious effect on splicing; This variant is associated with the following publications: (PMID: 27648933, 35595280, 26486927)

NM_001429.4(EP300):c.1879-12A>G

Gene: EP300 (E1A binding protein p300; plus strand). Cytogenetic location: 22q13.2.
Variant type: single nucleotide variant.
Coding change: c.1879-12A>G on transcript NM_001429.4 (MANE Select); 12 bases into the intron before coding-DNA position 1879, A replaced by G.
Molecular consequence: intron variant.
Genome position (GRCh38, 1-based): chr22:41,141,036, A>G. VCF-style: chr22-41141036-A-G. GRCh37 (hg19) VCF-style: chr22-41537040-A-G.
Other names: c.1879-12A>G (NM_001362843.2).
Identifiers: ClinVar variation 3253149 (VCV003253149.1), dbSNP rs2145725786.
Genomic context (GRCh38, chr22:41,141,036, plus strand): 5'-TTATTTTTTCTGTTACCTGGTGGTAGTTCCTTTTTTCCTCATCTCCCTTATTTTACTTCA[A>G]CAATTCAAAAGGCGGAATACTACCACCTTCTAGCTGAGAAAATCTATAAGATCCAGAAAG-3'